The following is an entry in ClinVar:

ClinVar aggregate classification (germline): Likely pathogenic (1 of 4 stars; one submission).

Conditions:
Steel syndrome (STLS). Identifiers: Orphanet 438117, MedGen C3554594, MONDO:0014061, OMIM 615155.

Submission:

Juno Genomics, Hangzhou Juno Genomics, Inc
Classification: Likely pathogenic for Steel syndrome. Review status: criteria provided, single submitter. Criteria: ACMG Guidelines, 2015. Collection method: clinical testing. Allele origin: germline.
Comment: Absent from controls (or at extremely low frequency if recessive) in Genome Aggregation Database.;Null variant in a gene where loss of function (LOF) is a known mechanism of disease.

NM_032888.4(COL27A1):c.80G>A (p.Trp27Ter)

Gene: COL27A1 (collagen type XXVII alpha 1 chain; plus strand). Cytogenetic location: 9q32.
Variant type: single nucleotide variant.
Coding change: c.80G>A on transcript NM_032888.4 (MANE Select); coding-DNA position 80, G replaced by A.
Protein change: p.Trp27Ter; replaces tryptophan 27 with a stop codon.
Molecular consequence: nonsense.
Genome position (GRCh38, 1-based): chr9:114,162,732, G>A. VCF-style: chr9-114162732-G-A. GRCh37 (hg19) VCF-style: chr9-116925012-G-A.
Other names: short protein forms W27*.
Identifiers: ClinVar variation 5019096 (VCV005019096.2).